The following is an entry in ClinVar:

NM_001122955.4(BSCL2):c.631-6C>A

Genes: BSCL2 (BSCL2 lipid droplet biogenesis associated, seipin; minus strand), HNRNPUL2-BSCL2 (HNRNPUL2-BSCL2 readthrough (NMD candidate); minus strand). Cytogenetic location: 11q12.3.
Variant type: single nucleotide variant.
Coding change: c.631-6C>A on transcript NM_001122955.4 (MANE Select); 6 bases into the intron before coding-DNA position 631, C replaced by A.
Molecular consequence: intron variant.
Genome position (GRCh38, 1-based): chr11:62,692,803, G>T on the plus strand (C>A on the coding strand, the complement: BSCL2 is on the minus strand). VCF-style: chr11-62692803-G-T. GRCh37 (hg19) VCF-style: chr11-62460275-G-T.
Other names: c.439-6C>A (NM_001130702.2, NM_032667.6); c.631-6C>A (NM_001386028.1, NM_001386027.1).
Identifiers: ClinVar variation 805503 (VCV000805503.4), dbSNP rs768294248, ClinGen allele CA915948208.

ClinVar aggregate classification (germline): Uncertain significance. Review status: criteria provided, multiple submitters, no conflicts (2 of 4 stars). 3 submissions from 3 submitters: Uncertain significance (3). Last evaluated 2024-10-30.

Conditions:
Charcot-Marie-Tooth disease type 2. Also called: Charcot-Marie-Tooth type 2. Identifiers: Orphanet 64746, MedGen C0270914, MONDO:0018993.

Submissions (3):

Labcorp Genetics (formerly Invitae), Labcorp
Classification: Uncertain significance for Charcot-Marie-Tooth disease type 2. Last evaluated: 2024-10-30. Review status: criteria provided, single submitter. Criteria: Invitae Variant Classification Sherloc (09022015). Collection method: clinical testing. Allele origin: germline.
Comment: This sequence change falls in intron 4 of the BSCL2 gene. It does not directly change the encoded amino acid sequence of the BSCL2 protein. This variant is not present in population databases (gnomAD no frequency). This variant has not been reported in the literature in individuals affected with BSCL2-related conditions. ClinVar contains an entry for this variant (Variation ID: 805503). Algorithms developed to predict the effect of sequence changes on RNA splicing suggest that this variant may disrupt the consensus splice site. In summary, the available evidence is currently insufficient to determine the role of this variant in disease. Therefore, it has been classified as a Variant of Uncertain Significance.

GeneDx
Classification: Uncertain significance. Last evaluated: 2023-04-06. Review status: criteria provided, single submitter. Criteria: GeneDx Variant Classification Process June 2021. Collection method: clinical testing. Allele origin: germline. Affected: yes.
Comment: Not observed at significant frequency in large population cohorts (gnomAD); In silico analysis supports a deleterious effect on splicing; Has not been previously published as pathogenic or benign to our knowledge

Athena Diagnostics
Classification: Uncertain significance. Last evaluated: 2018-12-26. Review status: criteria provided, single submitter. Criteria: Athena Diagnostics Criteria. Collection method: clinical testing. Allele origin: germline.